The following is an entry in ClinVar:

NM_006059.4(LAMC3):c.2853G>C (p.Gln951His)

Gene: LAMC3 (laminin subunit gamma 3; plus strand). Cytogenetic location: 9q34.12.
Variant type: single nucleotide variant.
Coding change: c.2853G>C on transcript NM_006059.4 (MANE Select); coding-DNA position 2853, G replaced by C.
Protein change: p.Gln951His; replaces glutamine 951 with histidine.
Molecular consequence: missense variant.
Genome position (GRCh38, 1-based): chr9:131,069,013, G>C. VCF-style: chr9-131069013-G-C. GRCh37 (hg19) VCF-style: chr9-133944400-G-C.
Other names: c.2853G>C (NM_006059.3); short protein forms Q951H.
Identifiers: ClinVar variation 1476048 (VCV001476048.6), dbSNP rs887297441, ClinGen allele CA200665055.
Genomic context (GRCh38, chr9:131,069,013, plus strand): 5'-CAAGACTGGACAGTGCACCTGCCGCCCAGGTGTCACAGGCCAGGCCTGTGACAGGTGCCA[G>C]CTGGGTTTCTTCGGCTTCTCCATCAAGGGCTGCCGGGGTAAGGAGGCTGGGTCCTTCCCG-3'
Protein context (NP_006050.3, residues 941-961): GVTGQACDRC[Gln951His]LGFFGFSIKG

ClinVar aggregate classification (germline): Uncertain significance. Review status: criteria provided, multiple submitters, no conflicts (2 of 4 stars). 2 submissions from 2 submitters: Uncertain significance (2). Last evaluated 2025-05-15.

Conditions:
Inborn genetic diseases. Identifiers: MedGen C0950123, MeSH D030342.

Allele frequency attached by ClinVar (database versions not stated): gnomAD exomes 0.00001; TOPMed 0.00001.
gnomAD v4.1: 3 of 1,614,066 alleles (0.00019%); highest among the groups gnomAD compares: Admixed American, 0.005%; no homozygotes.

Submissions (2):

Ambry Genetics
Classification: Uncertain significance for Inborn genetic diseases. Last evaluated: 2025-05-15. Review status: criteria provided, single submitter. Criteria: Ambry Variant Classification Scheme 2023. Collection method: clinical testing. Allele origin: germline.

Labcorp Genetics (formerly Invitae), Labcorp
Classification: Uncertain significance. Last evaluated: 2022-03-19. Review status: criteria provided, single submitter. Criteria: Invitae Variant Classification Sherloc (09022015). Collection method: clinical testing. Allele origin: germline.
Comment: This sequence change replaces glutamine, which is neutral and polar, with histidine, which is basic and polar, at codon 951 of the LAMC3 protein (p.Gln951His). This variant is present in population databases (no rsID available, gnomAD 0.009%). This variant has not been reported in the literature in individuals affected with LAMC3-related conditions. Algorithms developed to predict the effect of missense changes on protein structure and function (SIFT, PolyPhen-2, Align-GVGD) all suggest that this variant is likely to be tolerated. In summary, the available evidence is currently insufficient to determine the role of this variant in disease. Therefore, it has been classified as a Variant of Uncertain Significance.